The following is an entry in ClinVar:

ClinVar aggregate classification (germline): Uncertain significance (1 of 4 stars; one submission).

Conditions:
Cardiovascular phenotype. Identifiers: MedGen CN230736.

gnomAD v4.1: 2 of 1,613,840 alleles (0.00012%); highest among the groups gnomAD compares: Non-Finnish European, 0.000085%; no homozygotes.

Submission:

Ambry Genetics
Classification: Uncertain significance for Cardiovascular phenotype. Last evaluated: 2024-11-10. Review status: criteria provided, single submitter. Criteria: Ambry Variant Classification Scheme 2023. Collection method: clinical testing. Allele origin: germline.
Comment: The p.E561G variant (also known as c.1682A>G), located in coding exon 12 of the NEXN gene, results from an A to G substitution at nucleotide position 1682. The glutamic acid at codon 561 is replaced by glycine, an amino acid with similar properties. This amino acid position is conserved. In addition, this alteration is predicted to be tolerated by in silico analysis. Based on the available evidence, the clinical significance of this variant remains unclear.

NM_144573.4(NEXN):c.1682A>G (p.Glu561Gly)

Gene: NEXN (nexilin F-actin binding protein; plus strand). Cytogenetic location: 1p31.1.
Variant type: single nucleotide variant.
Coding change: c.1682A>G on transcript NM_144573.4 (MANE Select); coding-DNA position 1682, A replaced by G.
Protein change: p.Glu561Gly; replaces glutamic acid 561 with glycine.
Molecular consequence: missense variant.
Genome position (GRCh38, 1-based): chr1:77,942,483, A>G. VCF-style: chr1-77942483-A-G. GRCh37 (hg19) VCF-style: chr1-78408168-A-G.
Other names: c.1490A>G, p.Glu497Gly (NM_001172309.2); short protein forms E561G, E497G.
Identifiers: ClinVar variation 3404568 (VCV003404568.1).